The following is an entry in ClinVar:

NM_001099403.2(PRDM8):c.1175C>G (p.Ala392Gly)

Gene: PRDM8 (PR/SET domain 8; plus strand). Cytogenetic location: 4q21.21.
Variant type: single nucleotide variant.
Coding change: c.1175C>G on transcript NM_001099403.2 (MANE Select); coding-DNA position 1175, C replaced by G.
Protein change: p.Ala392Gly; replaces alanine 392 with glycine.
Molecular consequence: missense variant.
Genome position (GRCh38, 1-based): chr4:80,202,637, C>G. VCF-style: chr4-80202637-C-G. GRCh37 (hg19) VCF-style: chr4-81123791-C-G.
Other names: c.1175C>G, p.Ala392Gly (NM_020226.4); short protein forms A392G.
Identifiers: ClinVar variation 1371861 (VCV001371861.6), dbSNP rs1320384072, ClinGen allele CA357399068.

ClinVar aggregate classification (germline): Uncertain significance (1 of 4 stars; one submission).

Conditions:
Early-onset Lafora body disease. Also called: Epilepsy, progressive myoclonic, 10. Identifiers: Orphanet 324290, MedGen C4225258, MONDO:0014717, OMIM 616640.

Allele frequency attached by ClinVar (database versions not stated): TOPMed below 0.00001; gnomAD 0.00001.
gnomAD v4.1: 1 of 1,514,046 alleles (0.000066%); highest among the groups gnomAD compares: African/African-American, 0.0014%; no homozygotes.

Submission:

Labcorp Genetics (formerly Invitae), Labcorp
Classification: Uncertain significance for Early-onset Lafora body disease. Last evaluated: 2021-08-02. Review status: criteria provided, single submitter. Criteria: Invitae Variant Classification Sherloc (09022015). Collection method: clinical testing. Allele origin: germline.
Comment: This sequence change replaces alanine with glycine at codon 392 of the PRDM8 protein (p.Ala392Gly). The alanine residue is moderately conserved and there is a small physicochemical difference between alanine and glycine. The frequency data for this variant in the population databases is considered unreliable, as metrics indicate insufficient coverage at this position in the ExAC database. This variant has not been reported in the literature in individuals affected with PRDM8-related conditions. Algorithms developed to predict the effect of missense changes on protein structure and function are either unavailable or do not agree on the potential impact of this missense change (SIFT: "Tolerated"; PolyPhen-2: "Possibly Damaging"; Align-GVGD: "Class C0"). Algorithms developed to predict the effect of sequence changes on RNA splicing suggest that this variant may create or strengthen a splice site. In summary, the available evidence is currently insufficient to determine the role of this variant in disease. Therefore, it has been classified as a Variant of Uncertain Significance.